The following is an entry in ClinVar:

ClinVar aggregate classification (germline): Uncertain significance (1 of 4 stars; one submission).

Conditions:
Aortic aneurysm, familial thoracic 6 (AAT6). Also called: FAMILIAL THORACIC AORTIC ANEURYSM WITH LIVEDO RETICULARIS AND IRIS FLOCCULI. Identifiers: MedGen C2673186, MONDO:0012730, OMIM 611788.

Submission:

Labcorp Genetics (formerly Invitae), Labcorp
Classification: Uncertain significance for Aortic aneurysm, familial thoracic 6. Last evaluated: 2023-09-30. Review status: criteria provided, single submitter. Criteria: Invitae Variant Classification Sherloc (09022015). Collection method: clinical testing. Allele origin: germline.
Comment: Advanced modeling of protein sequence and biophysical properties (such as structural, functional, and spatial information, amino acid conservation, physicochemical variation, residue mobility, and thermodynamic stability) performed at Invitae indicates that this missense variant is expected to disrupt ACTA2 protein function. In summary, the available evidence is currently insufficient to determine the role of this variant in disease. Therefore, it has been classified as a Variant of Uncertain Significance. This variant has not been reported in the literature in individuals affected with ACTA2-related conditions. This variant is not present in population databases (gnomAD no frequency). This sequence change replaces glycine, which is neutral and non-polar, with tryptophan, which is neutral and slightly polar, at codon 368 of the ACTA2 protein (p.Gly368Trp).

NM_001613.4(ACTA2):c.1102G>T (p.Gly368Trp)

Genes: ACTA2-AS1 (ACTA2 antisense RNA 1; plus strand), ACTA2 (actin alpha 2, smooth muscle; minus strand). Cytogenetic location: 10q23.31.
Variant type: single nucleotide variant.
Coding change: c.1102G>T on transcript NM_001613.4 (MANE Select); coding-DNA position 1102, G replaced by T.
Protein change: p.Gly368Trp; replaces glycine 368 with tryptophan.
Molecular consequence: missense variant. On other transcripts: non-coding transcript variant (1).
Genome position (GRCh38, 1-based): chr10:88,935,255, C>A on the plus strand (G>T on the coding strand, the complement: ACTA2 is on the minus strand). VCF-style: chr10-88935255-C-A. GRCh37 (hg19) VCF-style: chr10-90695012-C-A.
Other names: c.1102G>T, p.Gly368Trp (NM_001141945.3, NM_001320855.2, NM_001406462.1 and 2 more transcripts); c.991G>T, p.Gly331Trp (NM_001406466.1); c.973G>T, p.Gly325Trp (NM_001406467.1, NM_001406468.1, NM_001406469.1); c.910G>T, p.Gly304Trp (NM_001406471.1); short protein forms G304W, G325W, G331W, G368W.
Identifiers: ClinVar variation 2764674 (VCV002764674.3), dbSNP rs1845711244, ClinGen allele CA377510383.